The following is an entry in ClinVar:

NM_012414.4(RAB3GAP2):c.3757C>T (p.Pro1253Ser)

Gene: RAB3GAP2 (RAB3 GTPase activating non-catalytic protein subunit 2; minus strand). Cytogenetic location: 1q41.
Variant type: single nucleotide variant.
Coding change: c.3757C>T on transcript NM_012414.4 (MANE Select); coding-DNA position 3757, C replaced by T.
Protein change: p.Pro1253Ser; replaces proline 1253 with serine.
Molecular consequence: missense variant.
Genome position (GRCh38, 1-based): chr1:220,153,295, G>A on the plus strand (C>T on the coding strand, the complement: RAB3GAP2 is on the minus strand). VCF-style: chr1-220153295-G-A. GRCh37 (hg19) VCF-style: chr1-220326637-G-A.
Other names: short protein forms P1253S.
Identifiers: ClinVar variation 676620 (VCV000676620.5), dbSNP rs564016323, ClinGen allele CA1402048.
Genomic context (GRCh38, chr1:220,153,295, plus strand): 5'-GCCTTCTAACAACATCTTCACTAACTTGAAGGTGATGGGCTAAATCCACAGCTAGAGCTG[G>A]CCAATCTTGGTCTTTCCCAAAAGGAGTGGGTGTGGCCTCTTCTGTGGGATCTTTGACCTT-3'
Protein context (NP_036546.2, residues 1243-1263): PTPFGKDQDW[Pro1253Ser]ALAVDLAHHL

ClinVar aggregate classification (germline): Conflicting classifications of pathogenicity. Review status: criteria provided, conflicting classifications (1 of 4 stars). 2 submissions from 2 submitters: Uncertain significance (1); Likely benign (1). Last evaluated 2022-10-17.

Conditions:
Martsolf syndrome (MARTS). Also called: Congenital cataract with intellectual disability and hypogonadotropic hypogonadism syndrome. Identifiers: Orphanet 1387, MedGen C0796037, MONDO:0023910.
Warburg micro syndrome 2 (WARBM2). Also called: MICRO SYNDROME 2. Identifiers: Orphanet 2510, MedGen C3280214, MONDO:0013641, OMIM 614225.

Allele frequency attached by ClinVar (database versions not stated): gnomAD 0.00001 and 0.00011; TOPMed 0.00003; gnomAD exomes 0.00037; ExAC 0.00040; 1000 Genomes Project 30x 0.00047; 1000 Genomes Project 0.00060.
gnomAD v4.1: 303 of 1,614,112 alleles (0.019%); highest among the groups gnomAD compares: South Asian, 0.32%; 4 homozygotes.

Submissions (2):

Labcorp Genetics (formerly Invitae), Labcorp
Classification: Uncertain significance for Martsolf syndrome; Warburg micro syndrome 2. Last evaluated: 2022-10-17. Review status: criteria provided, single submitter. Criteria: Invitae Variant Classification Sherloc (09022015). Collection method: clinical testing. Allele origin: germline.
Comment: This sequence change replaces proline, which is neutral and non-polar, with serine, which is neutral and polar, at codon 1253 of the RAB3GAP2 protein (p.Pro1253Ser). The frequency data for this variant in the population databases is considered unreliable, as metrics indicate poor data quality at this position in the gnomAD database. This variant has not been reported in the literature in individuals affected with RAB3GAP2-related conditions. ClinVar contains an entry for this variant (Variation ID: 676620). Advanced modeling of protein sequence and biophysical properties (such as structural, functional, and spatial information, amino acid conservation, physicochemical variation, residue mobility, and thermodynamic stability) performed at Invitae indicates that this missense variant is not expected to disrupt RAB3GAP2 protein function. In summary, the available evidence is currently insufficient to determine the role of this variant in disease. Therefore, it has been classified as a Variant of Uncertain Significance.

GeneDx
Classification: Likely benign. Last evaluated: 2018-03-28. Review status: criteria provided, single submitter. Criteria: GeneDx Variant Classification (06012015). Collection method: clinical testing. Allele origin: germline. Affected: yes.
Comment: This variant is considered likely benign or benign based on one or more of the following criteria: it is a conservative change, it occurs at a poorly conserved position in the protein, it is predicted to be benign by multiple in silico algorithms, and/or has population frequency not consistent with disease.